The following is an entry in ClinVar:

NM_004329.3(BMPR1A):c.1475G>A (p.Cys492Tyr)

Gene: BMPR1A (bone morphogenetic protein receptor type 1A; plus strand). Cytogenetic location: 10q23.2.
Variant type: single nucleotide variant.
Coding change: c.1475G>A on transcript NM_004329.3 (MANE Select); coding-DNA position 1475, G replaced by A.
Protein change: p.Cys492Tyr; replaces cysteine 492 with tyrosine.
Molecular consequence: missense variant.
Genome position (GRCh38, 1-based): chr10:86,923,595, G>A. VCF-style: chr10-86923595-G-A. GRCh37 (hg19) VCF-style: chr10-88683352-G-A.
Other names: short protein forms C492Y.
Identifiers: ClinVar variation 482876 (VCV000482876.12), dbSNP rs1256130183, ClinGen allele CA377463669.

ClinVar aggregate classification (germline): Uncertain significance. Review status: criteria provided, multiple submitters, no conflicts (2 of 4 stars). 3 submissions from 3 submitters: Uncertain significance (3). Last evaluated 2025-08-07.

Conditions:
Juvenile polyposis syndrome (JPS). Identifiers: Orphanet 2929, MedGen C0345893, MONDO:0017380, OMIM 174900.
Hereditary cancer-predisposing syndrome. Also called: Hereditary neoplastic syndrome; Neoplastic Syndromes, Hereditary; Tumor predisposition; Hereditary Cancer Syndrome. Identifiers: Orphanet 140162, MedGen C0027672, MeSH D009386, MONDO:0015356.

Allele frequency attached by ClinVar (database versions not stated): gnomAD exomes below 0.00001; gnomAD 0.00001; TOPMed 0.00002.
gnomAD v4.1: 1 of 1,614,072 alleles (0.000062%); highest among the groups gnomAD compares: African/African-American, 0.0013%; no homozygotes.

Submissions (3):

Color Diagnostics, LLC DBA Color Health
Classification: Uncertain significance for Hereditary cancer-predisposing syndrome. Last evaluated: 2025-08-07. Review status: criteria provided, single submitter. Criteria: ACMG Guidelines, 2015. Collection method: clinical testing. Allele origin: germline.
Comment: This missense variant replaces cysteine with tyrosine at codon 492 of the BMPR1A protein. Computational prediction is inconclusive regarding the impact of this variant on protein structure and function. To our knowledge, functional studies have not been reported for this variant. This variant has not been reported in individuals affected with BMPR1A-related disorders in the literature. This variant has been identified in 1/251488 chromosomes in the general population by the Genome Aggregation Database (gnomAD). The available evidence is insufficient to determine the role of this variant in disease conclusively. Therefore, this variant is classified as a Variant of Uncertain Significance.

Ambry Genetics
Classification: Uncertain significance for Hereditary cancer-predisposing syndrome. Last evaluated: 2025-07-21. Review status: criteria provided, single submitter. Criteria: Ambry Variant Classification Scheme 2023. Collection method: clinical testing. Allele origin: germline.
Comment: The p.C492Y variant (also known as c.1475G>A), located in coding exon 11 of the BMPR1A gene, results from a G to A substitution at nucleotide position 1475. The cysteine at codon 492 is replaced by tyrosine, an amino acid with highly dissimilar properties. This amino acid position is highly conserved in available vertebrate species. In addition, this alteration is predicted to be deleterious by in silico analysis. Since supporting evidence is limited at this time, the clinical significance of this alteration remains unclear.

Labcorp Genetics (formerly Invitae), Labcorp
Classification: Uncertain significance for Juvenile polyposis syndrome. Last evaluated: 2025-07-02. Review status: criteria provided, single submitter. Criteria: Invitae Variant Classification Sherloc (09022015). Collection method: clinical testing. Allele origin: germline.
Comment: This sequence change replaces cysteine, which is neutral and slightly polar, with tyrosine, which is neutral and polar, at codon 492 of the BMPR1A protein (p.Cys492Tyr). This variant is present in population databases (no rsID available, gnomAD 0.007%). This variant has not been reported in the literature in individuals affected with BMPR1A-related conditions. ClinVar contains an entry for this variant (Variation ID: 482876). An algorithm developed to predict the effect of missense changes on protein structure and function (PolyPhen-2) suggests that this variant is likely to be disruptive. In summary, the available evidence is currently insufficient to determine the role of this variant in disease. Therefore, it has been classified as a Variant of Uncertain Significance.